The following is an entry in ClinVar:

ClinVar aggregate classification (germline): Uncertain significance (1 of 4 stars; one submission).

Allele frequency attached by ClinVar (database versions not stated): gnomAD exomes 0.00001; TOPMed 0.00001.
gnomAD v4.1: 8 of 1,613,024 alleles (0.0005%); highest among the groups gnomAD compares: East Asian, 0.0022%; no homozygotes.

Submission:

Labcorp Genetics (formerly Invitae), Labcorp
Classification: Uncertain significance. Last evaluated: 2024-01-20. Review status: criteria provided, single submitter. Criteria: Invitae Variant Classification Sherloc (09022015). Collection method: clinical testing. Allele origin: germline.
Comment: This sequence change replaces threonine, which is neutral and polar, with isoleucine, which is neutral and non-polar, at codon 441 of the ZMIZ1 protein (p.Thr441Ile). This variant is present in population databases (no rsID available, gnomAD 0.0009%). This variant has not been reported in the literature in individuals affected with ZMIZ1-related conditions. Advanced modeling of protein sequence and biophysical properties (such as structural, functional, and spatial information, amino acid conservation, physicochemical variation, residue mobility, and thermodynamic stability) has been performed at Invitae for this missense variant, however the output from this modeling did not meet the statistical confidence thresholds required to predict the impact of this variant on ZMIZ1 protein function. In summary, the available evidence is currently insufficient to determine the role of this variant in disease. Therefore, it has been classified as a Variant of Uncertain Significance.

NM_020338.4(ZMIZ1):c.1322C>T (p.Thr441Ile)

Gene: ZMIZ1 (zinc finger MIZ-type containing 1; plus strand). Cytogenetic location: 10q22.3.
Variant type: single nucleotide variant.
Coding change: c.1322C>T on transcript NM_020338.4 (MANE Select); coding-DNA position 1322, C replaced by T.
Protein change: p.Thr441Ile; replaces threonine 441 with isoleucine.
Molecular consequence: missense variant.
Genome position (GRCh38, 1-based): chr10:79,296,562, C>T. VCF-style: chr10-79296562-C-T. GRCh37 (hg19) VCF-style: chr10-81056319-C-T.
Other names: short protein forms T441I.
Identifiers: ClinVar variation 2782084 (VCV002782084.3), dbSNP rs1468824713, ClinGen allele CA377335908.